The following is an entry in ClinVar:

ClinVar aggregate classification (germline): Uncertain significance. Review status: criteria provided, multiple submitters, no conflicts (2 of 4 stars). 3 submissions from 3 submitters: Uncertain significance (3). Last evaluated 2025-01-27.

Conditions:
Inborn genetic diseases. Identifiers: MedGen C0950123, MeSH D030342.

Allele frequency attached by ClinVar (database versions not stated): TOPMed 0.00001.
gnomAD v4.1: 3 of 1,613,108 alleles (0.00019%); highest among the groups gnomAD compares: Admixed American, 0.0033%; no homozygotes.

Submissions (3):

Ambry Genetics
Classification: Uncertain significance for Inborn genetic diseases. Last evaluated: 2025-01-27. Review status: criteria provided, single submitter. Criteria: Ambry Variant Classification Scheme 2023. Collection method: clinical testing. Allele origin: germline.

Blueprint Genetics
Classification: Uncertain significance. Last evaluated: 2023-12-01. Review status: criteria provided, single submitter. Criteria: ACMG Guidelines, 2015. Collection method: clinical testing. Allele origin: germline.

Labcorp Genetics (formerly Invitae), Labcorp
Classification: Uncertain significance. Last evaluated: 2021-08-27. Review status: criteria provided, single submitter. Criteria: Invitae Variant Classification Sherloc (09022015). Collection method: clinical testing. Allele origin: germline.
Comment: This sequence change replaces glutamic acid with glycine at codon 223 of the MTTP protein (p.Glu223Gly). The glutamic acid residue is moderately conserved and there is a moderate physicochemical difference between glutamic acid and glycine. This variant is not present in population databases (ExAC no frequency). This variant has not been reported in the literature in individuals affected with MTTP-related conditions. Algorithms developed to predict the effect of missense changes on protein structure and function (SIFT, PolyPhen-2, Align-GVGD) all suggest that this variant is likely to be tolerated. In summary, the available evidence is currently insufficient to determine the role of this variant in disease. Therefore, it has been classified as a Variant of Uncertain Significance.

NM_001386140.1(MTTP):c.668A>G (p.Glu223Gly)

Gene: MTTP (microsomal triglyceride transfer protein; plus strand). Cytogenetic location: 4q23.
Variant type: single nucleotide variant.
Coding change: c.668A>G on transcript NM_001386140.1 (MANE Select); coding-DNA position 668, A replaced by G.
Protein change: p.Glu223Gly; replaces glutamic acid 223 with glycine.
Molecular consequence: missense variant.
Genome position (GRCh38, 1-based): chr4:99,591,700, A>G. VCF-style: chr4-99591700-A-G. GRCh37 (hg19) VCF-style: chr4-100512857-A-G.
Other names: c.668A>G, p.Glu223Gly (NM_000253.4); c.419A>G, p.Glu140Gly (NM_001300785.2); c.668A>G (NM_000253.2); short protein forms E140G, E223G.
Identifiers: ClinVar variation 1396851 (VCV001396851.7), dbSNP rs780136670, ClinGen allele CA357505127.